The following is an entry in ClinVar:

ClinVar aggregate classification (germline): Benign (0 of 4 stars; one submission).

Conditions:
MUC16-related disorder. Also called: MUC16-related condition.

Allele frequency attached by ClinVar (database versions not stated): 1000 Genomes Project 0.24900; 1000 Genomes Project 30x 0.25219; TOPMed 0.26727; gnomAD 0.27237; ESP Exome Variant Server 0.27535; ExAC 0.28726.

Submissions (2):

PreventionGenetics, part of Exact Sciences
Classification: Benign for MUC16-related condition. Last evaluated: 2019-10-22. Review status: no assertion criteria provided. Collection method: clinical testing. Allele origin: germline.
Comment: This variant is classified as benign based on ACMG/AMP sequence variant interpretation guidelines (Richards et al. 2015 PMID: 25741868, with internal and published modifications).

Dr. Peter K. Rogan Lab, Western University
No classification provided (evidence only). Condition: Familial cancer of breast. Review status: no classification provided. Collection method: in vitro. Allele origin: not applicable. Functional consequence: retained intron. Not counted in ClinVar's aggregate classification.

NM_001401501.2(MUC16):c.32025C>T (p.Asp10675=)

Gene: MUC16 (mucin 16, cell surface associated; minus strand). Cytogenetic location: 19p13.2.
Variant type: single nucleotide variant.
Coding change: c.32025C>T on transcript NM_001401501.2 (MANE Select); coding-DNA position 32025, C replaced by T.
Protein change: p.Asp10675=; no amino-acid change (aspartic acid 10675 retained).
Molecular consequence: synonymous variant.
Genome position (GRCh38, 1-based): chr19:8,939,050, G>A on the plus strand (C>T on the coding strand, the complement: MUC16 is on the minus strand). VCF-style: chr19-8939050-G-A. GRCh37 (hg19) VCF-style: chr19-9049726-G-A.
Other names: NC_000019.9:g.9049726G>A; c.32451C>T, p.Asp10817= (NM_001414686.1); c.31905C>T, p.Asp10635= (NM_001414687.1, NM_024690.2).
Identifiers: ClinVar variation 3059136 (VCV003059136.3), dbSNP rs11670328, ClinGen allele CA9166762.